The following is an entry in ClinVar:

ClinVar aggregate classification (germline): Benign. Review status: criteria provided, multiple submitters, no conflicts (2 of 4 stars). 9 submissions from 7 submitters: Benign (9). Last evaluated 2026-02-04.

Conditions:
Lethal Kniest-like syndrome (DDSH). Also called: Dyssegmental Dysplasia. Identifiers: Orphanet 1865, MedGen C1857100, MONDO:0009140, OMIM 224410.
Schwartz-Jampel syndrome. Also called: Myotonic myopathy dwarfism chondrodystrophy and ocular and facial abnormalities. Identifiers: Orphanet 800, MedGen C0036391, MONDO:0009717.

Allele frequency attached by ClinVar (database versions not stated): TOPMed 0.12644; ESP Exome Variant Server 0.12956; 1000 Genomes Project 30x 0.15428.
gnomAD v4.1: 290,335 of 1,613,166 alleles (18%); highest among the groups gnomAD compares: South Asian, 28%; 28,135 homozygotes.

Submissions (9):

Labcorp Genetics (formerly Invitae), Labcorp
Classification: Benign. Last evaluated: 2026-02-04. Review status: criteria provided, single submitter. Criteria: Invitae Variant Classification Sherloc (09022015). Collection method: clinical testing. Allele origin: germline.

ARUP Laboratories, Molecular Genetics and Genomics, ARUP Laboratories
Classification: Benign. Last evaluated: 2025-06-26. Review status: criteria provided, single submitter. Criteria: ARUP Molecular Germline Variant Investigation Process 2024. Collection method: clinical testing. Allele origin: germline.

Blueprint Genetics
Classification: Benign. Last evaluated: 2024-11-26. Review status: criteria provided, single submitter. Criteria: ACMG Guidelines, 2015. Collection method: clinical testing. Allele origin: germline.

Genome-Nilou Lab
Classification: Benign for Lethal Kniest-like syndrome. Last evaluated: 2021-08-10. Review status: criteria provided, single submitter. Criteria: ACMG Guidelines, 2015. Collection method: clinical testing. Allele origin: germline. Affected: no.

Genome-Nilou Lab
Classification: Benign for Schwartz-Jampel syndrome type 1. Last evaluated: 2021-08-10. Review status: criteria provided, single submitter. Criteria: ACMG Guidelines, 2015. Collection method: clinical testing. Allele origin: germline. Affected: no.

GeneDx
Classification: Benign. Last evaluated: 2018-08-19. Review status: criteria provided, single submitter. Criteria: GeneDx Variant Classification Process June 2021. Collection method: clinical testing. Allele origin: germline. Affected: yes.

Illumina Laboratory Services, Illumina
Classification: Benign for Schwartz-Jampel syndrome type 1. Last evaluated: 2018-01-13. Review status: criteria provided, single submitter. Criteria: ICSL Variant Classification Criteria 13 December 2019. Collection method: clinical testing. Allele origin: germline.
Comment: This variant was observed in the ICSL laboratory as part of a predisposition screen in an ostensibly healthy population. It had not been previously curated by ICSL or reported in the Human Gene Mutation Database (HGMD: prior to June 1st, 2018), and was therefore a candidate for classification through an automated scoring system. Utilizing variant allele frequency, disease prevalence and penetrance estimates, and inheritance mode, an automated score was calculated to assess if this variant is too frequent to cause the disease. Based on the score and internal cut-off values, a variant classified as benign is not then subjected to further curation. The score for this variant resulted in a classification of benign for this disease.

Illumina Laboratory Services, Illumina
Classification: Benign for Lethal Kniest-like syndrome. Last evaluated: 2018-01-13. Review status: criteria provided, single submitter. Criteria: ICSL Variant Classification Criteria 13 December 2019. Collection method: clinical testing. Allele origin: germline.
Comment: the same text as in the submission from Illumina Laboratory Services, Illumina above.

Breakthrough Genomics
Classification: Benign. Review status: criteria provided, single submitter. Criteria: ACMG Guidelines, 2015. Collection method: not provided. Allele origin: germline. Inheritance: Autosomal recessive inheritance. Affected: yes.

NM_005529.7(HSPG2):c.12952C>A (p.Arg4318=)

Genes: HSPG2 (heparan sulfate proteoglycan 2; minus strand), LDLRAD2 (low density lipoprotein receptor class A domain containing 2; plus strand). Cytogenetic location: 1p36.12.
Variant type: single nucleotide variant.
Coding change: c.12952C>A on transcript NM_005529.7 (MANE Select); coding-DNA position 12952, C replaced by A.
Protein change: p.Arg4318=; no amino-acid change (arginine 4318 retained).
Molecular consequence: synonymous variant. On other transcripts: 3 prime UTR variant (1).
Genome position (GRCh38, 1-based): chr1:21,823,667, G>T on the plus strand (C>A on the coding strand, the complement: HSPG2 is on the minus strand). VCF-style: chr1-21823667-G-T. GRCh37 (hg19) VCF-style: chr1-22150160-G-T.
Other names: c.12955C>A, p.Arg4319= (NM_001291860.2); c.*1452G>T (NM_001013693.3).
Identifiers: ClinVar variation 295701 (VCV000295701.33), dbSNP rs3736358, ClinGen allele CA669201.
Genomic context (GRCh38, chr1:21,823,667, plus strand): 5'-CAGACTTACCGATGTAGACGCTGCCCTTGGCGTTGACTGCCACGTTGGGACCTGGGGACC[G>T]GCCGCTGACCAGCTCCTCACCGTCGACTTGGATGGAACCTCTGCGGCCCTCCCTGCAGTG-3'
Protein context (NP_005520.4, residues 4308-4328): QVDGEELVSG[Arg4318=]SPGPNVAVNA